The following is an entry in ClinVar:

NC_000005.9:g.(?_161528241)_(161582545_?)dup

Gene: GABRG2 (gamma-aminobutyric acid type A receptor subunit gamma2; plus strand). Cytogenetic location: 5q34.
Variant type: Duplication.
Identifiers: ClinVar variation 417425 (VCV000417425.1).

ClinVar aggregate classification (germline): Uncertain significance (1 of 4 stars; one submission).

Conditions:
EPILEPSY, CHILDHOOD ABSENCE, SUSCEPTIBILITY TO, 2 (ECA2). Identifiers: Orphanet 64280, MedGen C1843244, OMIM 607681.
Febrile seizures, familial, 8 (FEB8). Also called: CONVULSIONS, FAMILIAL FEBRILE, 8. Identifiers: Orphanet 36387, MedGen C1969810, MONDO:0011891, OMIM 607681.

Submission:

Labcorp Genetics (formerly Invitae), Labcorp
Classification: Uncertain significance for Febrile seizures, familial, 8; EPILEPSY, CHILDHOOD ABSENCE, SUSCEPTIBILITY TO, 2. Last evaluated: 2016-08-26. Review status: criteria provided, single submitter. Criteria: Invitae Variant Classification Sherloc (09022015). Collection method: clinical testing. Allele origin: germline.
Comment: This variant is a gross duplication of the genomic region encompassing exons 5-9 of the GABRG2 gene. The 5' boundary is likely confined to intron 4. The 3' end of this event is unknown as it extends beyond the assayed region for this gene and therefore may encompass additional genes. This variant has not been reported in the literature in individuals with a GABRG2-related disease. In summary, the genomic location of this duplication is unknown and the impact of this variant on GABRG2 protein function has not been established. Therefore, it has been classified as a Variant of Uncertain Significance.